The following is an entry in ClinVar:

NM_014249.4(NR2E3):c.875G>A (p.Arg292Gln)

Gene: NR2E3 (nuclear receptor subfamily 2 group E member 3; plus strand). Cytogenetic location: 15q23.
Variant type: single nucleotide variant.
Coding change: c.875G>A on transcript NM_014249.4 (MANE Select); coding-DNA position 875, G replaced by A.
Protein change: p.Arg292Gln; replaces arginine 292 with glutamine.
Molecular consequence: missense variant.
Genome position (GRCh38, 1-based): chr15:71,813,516, G>A. VCF-style: chr15-71813516-G-A. GRCh37 (hg19) VCF-style: chr15-72105856-G-A.
Other names: c.875G>A, p.Arg292Gln (NM_016346.4); short protein forms R292Q.
Identifiers: ClinVar variation 2159822 (VCV002159822.4), dbSNP rs750478440, ClinGen allele CA7640420.

ClinVar aggregate classification (germline): Uncertain significance. Review status: criteria provided, multiple submitters, no conflicts (2 of 4 stars). 2 submissions from 2 submitters: Uncertain significance (2). Last evaluated 2024-10-29.

Allele frequency attached by ClinVar (database versions not stated): ExAC 0.00001; gnomAD 0.00001; gnomAD exomes 0.00001; TOPMed 0.00001.
gnomAD v4.1: 17 of 1,613,128 alleles (0.0011%); highest among the groups gnomAD compares: South Asian, 0.0022%; no homozygotes.

Submissions (2):

Blueprint Genetics
Classification: Uncertain significance. Last evaluated: 2024-10-29. Review status: criteria provided, single submitter. Criteria: ACMG Guidelines, 2015. Collection method: clinical testing. Allele origin: germline.

Labcorp Genetics (formerly Invitae), Labcorp
Classification: Uncertain significance. Last evaluated: 2024-07-04. Review status: criteria provided, single submitter. Criteria: Invitae Variant Classification Sherloc (09022015). Collection method: clinical testing. Allele origin: germline.
Comment: This sequence change replaces arginine, which is basic and polar, with glutamine, which is neutral and polar, at codon 292 of the NR2E3 protein (p.Arg292Gln). This variant is present in population databases (rs750478440, gnomAD 0.002%). This variant has not been reported in the literature in individuals affected with NR2E3-related conditions. ClinVar contains an entry for this variant (Variation ID: 2159822). Advanced modeling of protein sequence and biophysical properties (such as structural, functional, and spatial information, amino acid conservation, physicochemical variation, residue mobility, and thermodynamic stability) performed at Invitae indicates that this missense variant is not expected to disrupt NR2E3 protein function with a negative predictive value of 80%. In summary, the available evidence is currently insufficient to determine the role of this variant in disease. Therefore, it has been classified as a Variant of Uncertain Significance.